The following is an entry in ClinVar:

NM_000268.4(NF2):c.940G>A (p.Asp314Asn)

Gene: NF2 (NF2, moesin-ezrin-radixin like (MERLIN) tumor suppressor; plus strand). Cytogenetic location: 22q12.2.
Variant type: single nucleotide variant.
Coding change: c.940G>A on transcript NM_000268.4 (MANE Select); coding-DNA position 940, G replaced by A.
Protein change: p.Asp314Asn; replaces aspartic acid 314 with asparagine.
Molecular consequence: missense variant. On other transcripts: non-coding transcript variant (1), intron variant (1).
Genome position (GRCh38, 1-based): chr22:29,668,387, G>A. VCF-style: chr22-29668387-G-A. GRCh37 (hg19) VCF-style: chr22-30064376-G-A.
Other names: c.940G>A, p.Asp314Asn (NM_016418.5, NM_181825.3, NM_181832.3); c.814G>A, p.Asp272Asn (NM_181828.3); c.817G>A, p.Asp273Asn (NM_181829.3); c.691G>A, p.Asp231Asn (NM_181830.3, NM_181831.3); c.447+26102G>A (NM_181833.3); short protein forms D272N, D231N, D273N, D314N.
Identifiers: ClinVar variation 857149 (VCV000857149.12), dbSNP rs1365006505, ClinGen allele CA411145840.

ClinVar aggregate classification (germline): Uncertain significance. Review status: criteria provided, multiple submitters, no conflicts (2 of 4 stars). 3 submissions from 3 submitters: Uncertain significance (3). Last evaluated 2026-01-27.

Conditions:
Hereditary cancer-predisposing syndrome. Also called: Neoplastic Syndromes, Hereditary; Hereditary neoplastic syndrome; Tumor predisposition; Hereditary Cancer Syndrome. Identifiers: Orphanet 140162, MedGen C0027672, MeSH D009386, MONDO:0015356.
Neurofibromatosis, type 2 (SWNV). Also called: BILATERAL ACOUSTIC NEUROFIBROMATOSIS; SCHWANNOMATOSIS, VESTIBULAR; NF2-Related Schwannomatosis. Identifiers: Orphanet 637, MedGen C0027832, MONDO:0007039, OMIM 101000. Disease mechanism: loss of function.

Allele frequency attached by ClinVar (database versions not stated): gnomAD exomes below 0.00001; TOPMed below 0.00001; gnomAD 0.00001.
gnomAD v4.1: 3 of 1,613,808 alleles (0.00019%); highest among the groups gnomAD compares: African/African-American, 0.0013%; no homozygotes.

Submissions (3):

Labcorp Genetics (formerly Invitae), Labcorp
Classification: Uncertain significance for Neurofibromatosis, type 2. Last evaluated: 2026-01-27. Review status: criteria provided, single submitter. Criteria: Invitae Variant Classification Sherloc (09022015). Collection method: clinical testing. Allele origin: germline.
Comment: This sequence change replaces aspartic acid, which is acidic and polar, with asparagine, which is neutral and polar, at codon 314 of the NF2 protein (p.Asp314Asn). This variant is present in population databases (no rsID available, gnomAD 0.01%). This variant has not been reported in the literature in individuals affected with NF2-related conditions. ClinVar contains an entry for this variant (Variation ID: 857149). Invitae Evidence Modeling of protein sequence and biophysical properties (such as structural, functional, and spatial information, amino acid conservation, physicochemical variation, residue mobility, and thermodynamic stability) indicates that this missense variant is expected to disrupt NF2 protein function with a positive predictive value of 80%. In summary, the available evidence is currently insufficient to determine the role of this variant in disease. Therefore, it has been classified as a Variant of Uncertain Significance.

Ambry Genetics
Classification: Uncertain significance for Hereditary cancer-predisposing syndrome. Last evaluated: 2025-02-13. Review status: criteria provided, single submitter. Criteria: Ambry Variant Classification Scheme 2023. Collection method: clinical testing. Allele origin: germline.
Comment: The p.D314N variant (also known as c.940G>A), located in coding exon 10 of the NF2 gene, results from a G to A substitution at nucleotide position 940. The aspartic acid at codon 314 is replaced by asparagine, an amino acid with highly similar properties. This amino acid position is highly conserved in available vertebrate species. In addition, this alteration is predicted to be tolerated by in silico analysis. Since supporting evidence is limited at this time, the clinical significance of this alteration remains unclear.

GeneDx
Classification: Uncertain significance. Last evaluated: 2024-03-10. Review status: criteria provided, single submitter. Criteria: GeneDx Variant Classification Process June 2021. Collection method: clinical testing. Allele origin: germline. Affected: yes.
Comment: In silico analysis supports that this missense variant has a deleterious effect on protein structure/function; Has not been previously published as pathogenic or benign to our knowledge; This variant is associated with the following publications: (PMID: 16324214, 17134719, 22482125, 35332608)